The following is an entry in ClinVar:

NM_020699.4(GATAD2B):c.821A>G (p.Gln274Arg)

Gene: GATAD2B (GATA zinc finger domain containing 2B; minus strand). Cytogenetic location: 1q21.3.
Variant type: single nucleotide variant.
Coding change: c.821A>G on transcript NM_020699.4 (MANE Select); coding-DNA position 821, A replaced by G.
Protein change: p.Gln274Arg; replaces glutamine 274 with arginine.
Molecular consequence: missense variant.
Genome position (GRCh38, 1-based): chr1:153,817,451, T>C on the plus strand (A>G on the coding strand, the complement: GATAD2B is on the minus strand). VCF-style: chr1-153817451-T-C. GRCh37 (hg19) VCF-style: chr1-153789927-T-C.
Other names: short protein forms Q274R.
Identifiers: ClinVar variation 1722093 (VCV001722093.5), dbSNP rs1246268544, ClinGen allele CA342530274.

ClinVar aggregate classification (germline): Uncertain significance (1 of 4 stars; one submission).

Submission:

Labcorp Genetics (formerly Invitae), Labcorp
Classification: Uncertain significance. Last evaluated: 2022-10-23. Review status: criteria provided, single submitter. Criteria: Invitae Variant Classification Sherloc (09022015). Collection method: clinical testing. Allele origin: germline.
Comment: This sequence change replaces glutamine, which is neutral and polar, with arginine, which is basic and polar, at codon 274 of the GATAD2B protein (p.Gln274Arg). This variant is not present in population databases (gnomAD no frequency). This variant has not been reported in the literature in individuals affected with GATAD2B-related conditions. Advanced modeling of protein sequence and biophysical properties (such as structural, functional, and spatial information, amino acid conservation, physicochemical variation, residue mobility, and thermodynamic stability) has been performed at Invitae for this missense variant, however the output from this modeling did not meet the statistical confidence thresholds required to predict the impact of this variant on GATAD2B protein function. In summary, the available evidence is currently insufficient to determine the role of this variant in disease. Therefore, it has been classified as a Variant of Uncertain Significance.